The following is an entry in ClinVar:

NM_000321.3(RB1):c.193_194del (p.Lys65fs)

Gene: RB1 (RB transcriptional corepressor 1; plus strand). Cytogenetic location: 13q14.2.
Variant type: Deletion.
Coding change: c.193_194del on transcript NM_000321.3 (MANE Select); coding-DNA positions 193 to 194, 2 bases deleted (AA; older notation c.193_194delAA).
Protein change: p.Lys65fs; shifts the reading frame from lysine 65.
Molecular consequence: frameshift variant.
Genome position (GRCh38, 1-based): chr13:48,307,335-48,307,336, AA deleted; deleting any 2 consecutive bases within chr13:48,307,334-48,307,336 gives the same sequence; the c. name uses the placement nearest the transcript's 3' end. VCF-style (leftmost placement, unchanged base first): chr13-48307333-TAA-T. GRCh37 (hg19) VCF-style: chr13-48881469-TAA-T.
Other names: c.193_194del, p.Lys65fs (NM_001407165.1, NM_001407166.1, NM_001407167.1); short protein forms K65fs.
Identifiers: ClinVar variation 4727058 (VCV004727058.1).

ClinVar aggregate classification (germline): Pathogenic (1 of 4 stars; one submission).

Conditions:
Retinoblastoma (RB1). Also called: RETINOBLASTOMA, SOMATIC. Identifiers: Orphanet 790, MedGen C0035335, MeSH D012175, MONDO:0008380, OMIM 180200, HP:0009919. Disease mechanism: loss of function. Inheritance: Both sporadic and heritable forms are tested..

Submission:

Labcorp Genetics (formerly Invitae), Labcorp
Classification: Pathogenic for Retinoblastoma. Last evaluated: 2025-09-12. Review status: criteria provided, single submitter. Criteria: Invitae Variant Classification Sherloc (09022015). Collection method: clinical testing. Allele origin: germline.
Comment: This sequence change creates a premature translational stop signal (p.Lys65Aspfs*44) in the RB1 gene. It is expected to result in an absent or disrupted protein product. Loss-of-function variants in RB1 are known to be pathogenic (PMID: 17096365). This variant is not present in population databases (gnomAD no frequency). This variant has not been reported in the literature in individuals affected with RB1-related conditions. For these reasons, this variant has been classified as Pathogenic.

Literature cited by the submitters: PubMed 17096365.